The following is an entry in ClinVar:

ClinVar aggregate classification (germline): Uncertain significance. Review status: criteria provided, multiple submitters, no conflicts (2 of 4 stars). 2 submissions from 2 submitters: Uncertain significance (2). Last evaluated 2025-08-14.

Conditions:
Hereditary cancer-predisposing syndrome. Also called: Hereditary neoplastic syndrome; Neoplastic Syndromes, Hereditary; Tumor predisposition; Hereditary Cancer Syndrome. Identifiers: Orphanet 140162, MedGen C0027672, MeSH D009386, MONDO:0015356.
Familial cancer of breast. Also called: Hereditary breast cancer; BREAST CANCER, FAMILIAL; hereditary breast carcinoma. Identifiers: Orphanet 227535, MedGen C0346153, MONDO:0016419, OMIM 114480. Disease mechanism: loss of function.

gnomAD v4.1: 1 of 1,614,150 alleles (0.000062%); highest among the groups gnomAD compares: African/African-American, 0.0013%; no homozygotes.

Submissions (2):

Labcorp Genetics (formerly Invitae), Labcorp
Classification: Uncertain significance for Familial cancer of breast. Last evaluated: 2025-08-14. Review status: criteria provided, single submitter. Criteria: Invitae Variant Classification Sherloc (09022015). Collection method: clinical testing. Allele origin: germline.
Comment: This sequence change replaces phenylalanine, which is neutral and non-polar, with leucine, which is neutral and non-polar, at codon 914 of the PALB2 protein (p.Phe914Leu). This variant is not present in population databases (gnomAD no frequency). This variant has not been reported in the literature in individuals affected with PALB2-related conditions. ClinVar contains an entry for this variant (Variation ID: 1035283). Invitae Evidence Modeling of protein sequence and biophysical properties (such as structural, functional, and spatial information, amino acid conservation, physicochemical variation, residue mobility, and thermodynamic stability) indicates that this missense variant is not expected to disrupt PALB2 protein function with a negative predictive value of 80%. In summary, the available evidence is currently insufficient to determine the role of this variant in disease. Therefore, it has been classified as a Variant of Uncertain Significance.

Ambry Genetics
Classification: Uncertain significance for Hereditary cancer-predisposing syndrome. Last evaluated: 2025-07-18. Review status: criteria provided, single submitter. Criteria: Ambry Variant Classification Scheme 2023. Collection method: clinical testing. Allele origin: germline.
Comment: The p.F914L variant (also known as c.2742C>A), located in coding exon 7 of the PALB2 gene, results from a C to A substitution at nucleotide position 2742. The phenylalanine at codon 914 is replaced by leucine, an amino acid with highly similar properties. This amino acid position is well conserved in available vertebrate species. In addition, this alteration is predicted to be tolerated by in silico analysis. Based on the available evidence, the clinical significance of this variant remains unclear.

NM_024675.4(PALB2):c.2742C>A (p.Phe914Leu)

Gene: PALB2 (partner and localizer of BRCA2; minus strand). Cytogenetic location: 16p12.2.
Variant type: single nucleotide variant.
Coding change: c.2742C>A on transcript NM_024675.4 (MANE Select); coding-DNA position 2742, C replaced by A.
Protein change: p.Phe914Leu; replaces phenylalanine 914 with leucine.
Molecular consequence: missense variant.
Genome position (GRCh38, 1-based): chr16:23,626,242, G>T on the plus strand (C>A on the coding strand, the complement: PALB2 is on the minus strand). VCF-style: chr16-23626242-G-T. GRCh37 (hg19) VCF-style: chr16-23637563-G-T.
Other names: c.2742C>A (NM_024675.3); short protein forms F914L.
Identifiers: ClinVar variation 1035283 (VCV001035283.10), dbSNP rs115759702, ClinGen allele CA395121826.